The following is an entry in ClinVar:

NM_000222.3(KIT):c.448G>A (p.Gly150Arg)

Gene: KIT (KIT proto-oncogene, receptor tyrosine kinase; plus strand). Cytogenetic location: 4q12.
Variant type: single nucleotide variant.
Coding change: c.448G>A on transcript NM_000222.3 (MANE Select); coding-DNA position 448, G replaced by A.
Protein change: p.Gly150Arg; replaces glycine 150 with arginine.
Molecular consequence: missense variant.
Genome position (GRCh38, 1-based): chr4:54,698,394, G>A. VCF-style: chr4-54698394-G-A. GRCh37 (hg19) VCF-style: chr4-55564560-G-A.
Other names: c.448G>A, p.Gly150Arg (NM_001093772.2, NM_001385284.1, NM_001385285.1 and 4 more transcripts); short protein forms G150R.
Identifiers: ClinVar variation 2851127 (VCV002851127.3), dbSNP rs2109672879, ClinGen allele CA356897608.

ClinVar aggregate classification (germline): Uncertain significance (1 of 4 stars; one submission).

Conditions:
Gastrointestinal stromal tumor. Also called: Gastrointestinal stromal tumor, somatic; Gastrointestinal stroma tumor. Identifiers: Orphanet 44890, MedGen C0238198, MeSH D046152, MONDO:0011719, OMIM 606764, HP:0100723.

Submission:

Labcorp Genetics (formerly Invitae), Labcorp
Classification: Uncertain significance for Gastrointestinal stromal tumor. Last evaluated: 2026-01-13. Review status: criteria provided, single submitter. Criteria: Invitae Variant Classification Sherloc (09022015). Collection method: clinical testing. Allele origin: germline.
Comment: This sequence change replaces glycine, which is neutral and non-polar, with arginine, which is basic and polar, at codon 150 of the KIT protein (p.Gly150Arg). This variant is not present in population databases (gnomAD no frequency). This variant has not been reported in the literature in individuals affected with KIT-related conditions. ClinVar contains an entry for this variant (Variation ID: 2851127). An algorithm developed to predict the effect of missense changes on protein structure and function (PolyPhen-2) suggests that this variant is likely to be tolerated. In summary, the available evidence is currently insufficient to determine the role of this variant in disease. Therefore, it has been classified as a Variant of Uncertain Significance.